The following is an entry in ClinVar:

ClinVar aggregate classification (germline): Benign (0 of 4 stars; one submission).

Conditions:
ATAD5-related disorder. Also called: ATAD5-related condition.

Allele frequency attached by ClinVar (database versions not stated): ESP Exome Variant Server 0.09388; gnomAD 0.10464; TOPMed 0.10629; gnomAD exomes 0.11550; ExAC 0.13151; 1000 Genomes Project 30x 0.14413; 1000 Genomes Project 0.14437.
gnomAD v4.1: 181,843 of 1,587,722 alleles (11%); highest among the groups gnomAD compares: South Asian, 24%; 11,887 homozygotes.

Submission:

PreventionGenetics, part of Exact Sciences
Classification: Benign for ATAD5-related condition. Last evaluated: 2019-10-18. Review status: no assertion criteria provided. Collection method: clinical testing. Allele origin: germline.
Comment: This variant is classified as benign based on ACMG/AMP sequence variant interpretation guidelines (Richards et al. 2015 PMID: 25741868, with internal and published modifications).

NM_024857.5(ATAD5):c.4255T>C (p.Tyr1419His)

Gene: ATAD5 (ATPase family AAA domain containing 5; plus strand). Cytogenetic location: 17q11.2.
Variant type: single nucleotide variant.
Coding change: c.4255T>C on transcript NM_024857.5 (MANE Select); coding-DNA position 4255, T replaced by C.
Protein change: p.Tyr1419His; replaces tyrosine 1419 with histidine.
Molecular consequence: missense variant.
Genome position (GRCh38, 1-based): chr17:30,887,369, T>C. VCF-style: chr17-30887369-T-C. GRCh37 (hg19) VCF-style: chr17-29214387-T-C.
Other names: short protein forms Y1419H.
Identifiers: ClinVar variation 3059832 (VCV003059832.2), dbSNP rs11657270, ClinGen allele CA8484241.
Genomic context (GRCh38, chr17:30,887,369, plus strand): 5'-TACTTACAATTCTGGATTAGAAGTGGAGGTGGAGTTTTAGAAGAACGACCATTAACCCTT[T>C]ATCGTAAGTTGATTTGTTATTAAAGAAATTTCTATTATGGGACCCTATTTAAAAATCTGT-3'
Protein context (NP_079133.3, residues 1409-1429): GVLEERPLTL[Tyr1419His]RGNSRNVQLV